The following is an entry in ClinVar:

ClinVar aggregate classification (germline): Benign. Review status: criteria provided, multiple submitters, no conflicts (2 of 4 stars). 2 submissions from 2 submitters: Benign (2). Last evaluated 2018-01-13.

Conditions:
Nail-patella syndrome (NPS). Also called: FONG DISEASE; ONYCHOOSTEODYSPLASIA; TURNER-KIESER SYNDROME. Identifiers: Orphanet 2614, MedGen C0027341, MONDO:0008061, OMIM 161200.

Allele frequency attached by ClinVar (database versions not stated): gnomAD exomes 0.00763; gnomAD 0.05889 and 0.06258; 1000 Genomes Project 0.06510; TOPMed 0.06596; 1000 Genomes Project 30x 0.06730.
gnomAD v4.1: 8,892 of 152,524 alleles (5.8%); highest among the groups gnomAD compares: African/African-American, 19%; 773 homozygotes.

Submissions (2):

Illumina Laboratory Services, Illumina
Classification: Benign for Nail-patella syndrome. Last evaluated: 2018-01-13. Review status: criteria provided, single submitter. Criteria: ICSL Variant Classification Criteria 13 December 2019. Collection method: clinical testing. Allele origin: germline.
Comment: This variant was observed in the ICSL laboratory as part of a predisposition screen in an ostensibly healthy population. It had not been previously curated by ICSL or reported in the Human Gene Mutation Database (HGMD: prior to June 1st, 2018), and was therefore a candidate for classification through an automated scoring system. Utilizing variant allele frequency, disease prevalence and penetrance estimates, and inheritance mode, an automated score was calculated to assess if this variant is too frequent to cause the disease. Based on the score and internal cut-off values, a variant classified as benign is not then subjected to further curation. The score for this variant resulted in a classification of benign for this disease.

Breakthrough Genomics
Classification: Benign. Review status: criteria provided, single submitter. Criteria: ACMG Guidelines, 2015. Collection method: not provided. Allele origin: germline. Inheritance: Autosomal dominant inheritance. Affected: yes.

NM_001174147.2(LMX1B):c.*1304G>A

Gene: LMX1B (LIM homeobox transcription factor 1 beta; plus strand). Cytogenetic location: 9q33.3.
Variant type: single nucleotide variant.
Coding change: c.*1304G>A on transcript NM_001174147.2 (MANE Select); 1304 bases downstream of the stop codon, G replaced by A.
Molecular consequence: 3 prime UTR variant.
Genome position (GRCh38, 1-based): chr9:126,697,755, G>A. VCF-style: chr9-126697755-G-A. GRCh37 (hg19) VCF-style: chr9-129460034-G-A.
Other names: c.*1304G>A (NM_001174146.2, NM_002316.4).
Identifiers: ClinVar variation 364921 (VCV000364921.6), dbSNP rs73596779, ClinGen allele CA10626386.